The following is an entry in ClinVar:

ClinVar aggregate classification (germline): Conflicting classifications of pathogenicity. Review status: criteria provided, conflicting classifications (1 of 4 stars). 3 submissions from 3 submitters: Uncertain significance (2); Likely benign (1). Last evaluated 2025-08-18.

Conditions:
Hereditary cancer-predisposing syndrome. Also called: Neoplastic Syndromes, Hereditary; Hereditary Cancer Syndrome; Tumor predisposition; Hereditary neoplastic syndrome. Identifiers: Orphanet 140162, MedGen C0027672, MeSH D009386, MONDO:0015356.
Familial adenomatous polyposis 2. Also called: MUTYH-associated polyposis; MUTYH Polyposis; FAP type 2; Adenomas, multiple colorectal; COLORECTAL ADENOMATOUS POLYPOSIS, AUTOSOMAL RECESSIVE; ADENOMAS, MULTIPLE COLORECTAL, AUTOSOMAL RECESSIVE. Identifiers: Orphanet 220460, Orphanet 247798, MedGen C3272841, MONDO:0012041, OMIM 608456.

Submissions (3):

Ambry Genetics
Classification: Likely benign for Hereditary cancer-predisposing syndrome. Last evaluated: 2025-08-18. Review status: criteria provided, single submitter. Criteria: Ambry Variant Classification Scheme 2023. Collection method: clinical testing. Allele origin: germline.

Color Diagnostics, LLC DBA Color Health
Classification: Uncertain significance for Hereditary cancer-predisposing syndrome. Last evaluated: 2025-05-28. Review status: criteria provided, single submitter. Criteria: ACMG Guidelines, 2015. Collection method: clinical testing. Allele origin: germline.
Comment: This missense variant replaces glycine with arginine at codon 337 of the MUTYH protein. Computational prediction suggests that this variant may not impact protein structure and function. To our knowledge, functional studies have not been reported for this variant. This variant has not been reported in individuals affected with MUTYH-related disorders in the literature. This variant has not been identified in the general population by the Genome Aggregation Database (gnomAD). The available evidence is insufficient to determine the role of this variant in disease conclusively. Therefore, this variant is classified as a Variant of Uncertain Significance.

Labcorp Genetics (formerly Invitae), Labcorp
Classification: Uncertain significance for Familial adenomatous polyposis 2. Last evaluated: 2019-12-04. Review status: criteria provided, single submitter. Criteria: Invitae Variant Classification Sherloc (09022015). Collection method: clinical testing. Allele origin: germline.
Comment: This variant is not present in population databases (ExAC no frequency). This variant has not been reported in the literature in individuals with MUTYH-related conditions. ClinVar contains an entry for this variant (Variation ID: 142402). Algorithms developed to predict the effect of missense changes on protein structure and function output the following: SIFT: "Tolerated"; PolyPhen-2: "Benign"; Align-GVGD: "Class C0". The arginine amino acid residue is found in multiple mammalian species, suggesting that this missense change does not adversely affect protein function. These predictions have not been confirmed by published functional studies and their clinical significance is uncertain. Algorithms developed to predict the effect of sequence changes on RNA splicing suggest that this variant may create or strengthen a splice site, but this prediction has not been confirmed by published transcriptional studies. In summary, the available evidence is currently insufficient to determine the role of this variant in disease. Therefore, it has been classified as a Variant of Uncertain Significance. This sequence change replaces glycine with arginine at codon 337 of the MUTYH protein (p.Gly337Arg). The glycine residue is moderately conserved and there is a moderate physicochemical difference between glycine and arginine.

Literature cited by the submitters: PubMed 40738107 (cited by Ambry Genetics).

NM_001048174.2(MUTYH):c.925G>A (p.Gly309Arg)

Gene: MUTYH (mutY DNA glycosylase; minus strand). Cytogenetic location: 1p34.1.
Variant type: single nucleotide variant.
Coding change: c.925G>A on transcript NM_001048174.2 (MANE Select); coding-DNA position 925, G replaced by A.
Protein change: p.Gly309Arg; replaces glycine 309 with arginine.
Molecular consequence: missense variant. On other transcripts: non-coding transcript variant (2).
Genome position (GRCh38, 1-based): chr1:45,331,838, C>T on the plus strand (G>A on the coding strand, the complement: MUTYH is on the minus strand). VCF-style: chr1-45331838-C-T. GRCh37 (hg19) VCF-style: chr1-45797510-C-T.
Other names: c.925G>A, p.Gly309Arg (NM_001048171.2, NM_001048173.2, NM_001293195.2); c.928G>A, p.Gly310Arg (NM_001048172.2); c.1009G>A, p.Gly337Arg (NM_001128425.2); c.970G>A, p.Gly324Arg (NM_001293190.2); c.958G>A, p.Gly320Arg (NM_001293191.2); c.649G>A, p.Gly217Arg (NM_001293192.2, NM_001293196.2); c.580G>A, p.Gly194Arg (NM_001350650.2, NM_001350651.2); c.1000G>A, p.Gly334Arg (NM_012222.3); short protein forms G337R, G194R, G309R, G334R, G217R, G310R, G320R, G324R.
Identifiers: ClinVar variation 142402 (VCV000142402.14), dbSNP rs587782438, ClinGen allele CA011941.
Genomic context (GRCh38, chr1:45,331,838, plus strand): 5'-TGACCACTCCCAGGGTCTGGTCCCAGGGCTCCGAGGGAGGCAGGCACAGGTGGCACTGTC[C>T]AGTGTTGGGAGCTGGGAACGGAGATCCCCGAACCCTACTCAAGCCAAGAGGGCTTTAGGG-3'
Protein context (NP_001041639.1, residues 299-319): PDVEECAPNT[Gly309Arg]QCHLCLPPSE